The following is an entry in ClinVar:

ClinVar aggregate classification (germline): Likely benign (1 of 4 stars; one submission).

Submission:

CeGaT Center for Human Genetics Tuebingen
Classification: Likely benign. Last evaluated: 2025-11-01. Review status: criteria provided, single submitter. Criteria: CeGaT Center For Human Genetics Tuebingen Variant Classification Criteria Version 2. Collection method: clinical testing. Allele origin: germline. Affected: yes. Observed: 1 variant allele.
Comment: MN1: BP4, BP7

NM_002430.3(MN1):c.1572G>A (p.Gln524=)

Gene: MN1 (MN1 proto-oncogene, transcriptional regulator; minus strand). Cytogenetic location: 22q12.1.
Variant type: single nucleotide variant.
Coding change: c.1572G>A on transcript NM_002430.3 (MANE Select); coding-DNA position 1572, G replaced by A.
Protein change: p.Gln524=; no amino-acid change (glutamine 524 retained).
Molecular consequence: synonymous variant.
Genome position (GRCh38, 1-based): chr22:27,798,972, C>T on the plus strand (G>A on the coding strand, the complement: MN1 is on the minus strand). VCF-style: chr22-27798972-C-T. GRCh37 (hg19) VCF-style: chr22-28194960-C-T.
Identifiers: ClinVar variation 4681559 (VCV004681559.5).